The following is an entry in ClinVar:

NM_001999.4(FBN2):c.3964A>G (p.Thr1322Ala)

Gene: FBN2 (fibrillin 2; minus strand). Cytogenetic location: 5q23.3.
Variant type: single nucleotide variant.
Coding change: c.3964A>G on transcript NM_001999.4 (MANE Select); coding-DNA position 3964, A replaced by G.
Protein change: p.Thr1322Ala; replaces threonine 1322 with alanine.
Molecular consequence: missense variant.
Genome position (GRCh38, 1-based): chr5:128,335,179, T>C on the plus strand (A>G on the coding strand, the complement: FBN2 is on the minus strand). VCF-style: chr5-128335179-T-C. GRCh37 (hg19) VCF-style: chr5-127670871-T-C.
Other names: c.3964A>G (NM_001999.3); short protein forms T1322A.
Identifiers: ClinVar variation 1093738 (VCV001093738.10), dbSNP rs367614052, ClinGen allele CA3395096.

ClinVar aggregate classification (germline): Conflicting classifications of pathogenicity. Review status: criteria provided, conflicting classifications (1 of 4 stars). 2 submissions from 2 submitters: Uncertain significance (1); Likely benign (1). Last evaluated 2025-11-01.

Conditions:
Congenital contractural arachnodactyly (CCA). Also called: BEALS SYNDROME; Arthrogryposis, distal, type 9; Beals-Hecht syndrome. Identifiers: Orphanet 115, MedGen C0220668, MONDO:0007363, OMIM 121050.

Allele frequency attached by ClinVar (database versions not stated): gnomAD 0.00001; gnomAD exomes 0.00003 and 0.00007; ExAC 0.00009.
gnomAD v4.1: 40 of 1,614,048 alleles (0.0025%); highest among the groups gnomAD compares: South Asian, 0.043%; 1 homozygote.

Submissions (2):

Labcorp Genetics (formerly Invitae), Labcorp
Classification: Likely benign for Congenital contractural arachnodactyly. Last evaluated: 2025-11-01. Review status: criteria provided, single submitter. Criteria: Invitae Variant Classification Sherloc (09022015). Collection method: clinical testing. Allele origin: germline.

GeneDx
Classification: Uncertain significance. Last evaluated: 2024-08-30. Review status: criteria provided, single submitter. Criteria: GeneDx Variant Classification Process June 2021. Collection method: clinical testing. Allele origin: germline. Affected: yes.
Comment: In silico analysis supports that this missense variant has a deleterious effect on protein structure/function; Has not been previously published as pathogenic or benign to our knowledge; This variant is associated with the following publications: (PMID: 19006240, 18767143)